The following is an entry in ClinVar:

ClinVar aggregate classification (germline): Uncertain significance. Review status: criteria provided, multiple submitters, no conflicts (2 of 4 stars). 2 submissions from 2 submitters: Uncertain significance (2). Last evaluated 2025-10-28.

gnomAD v4.1: 1 of 1,614,086 alleles (0.000062%); highest among the groups gnomAD compares: Admixed American, 0.0017%; no homozygotes.

Submissions (2):

Ambry Genetics
Classification: Uncertain significance. Last evaluated: 2025-10-28. Review status: criteria provided, single submitter. Criteria: Ambry Variant Classification Scheme 2023. Collection method: clinical testing. Allele origin: germline.
Comment: The p.E336Q variant (also known as c.1006G>C), located in coding exon 10 of the SRP72 gene, results from a G to C substitution at nucleotide position 1006. The glutamic acid at codon 336 is replaced by glutamine, an amino acid with highly similar properties. This amino acid position is conserved. In addition, this alteration is predicted to be tolerated by in silico analysis. Based on the available evidence, the clinical significance of this variant remains unclear.

Labcorp Genetics (formerly Invitae), Labcorp
Classification: Uncertain significance. Last evaluated: 2023-07-17. Review status: criteria provided, single submitter. Criteria: Invitae Variant Classification Sherloc (09022015). Collection method: clinical testing. Allele origin: germline.
Comment: In summary, the available evidence is currently insufficient to determine the role of this variant in disease. Therefore, it has been classified as a Variant of Uncertain Significance. Advanced modeling of protein sequence and biophysical properties (such as structural, functional, and spatial information, amino acid conservation, physicochemical variation, residue mobility, and thermodynamic stability) performed at Invitae indicates that this missense variant is not expected to disrupt SRP72 protein function. This variant has not been reported in the literature in individuals affected with SRP72-related conditions. This variant is not present in population databases (gnomAD no frequency). This sequence change replaces glutamic acid, which is acidic and polar, with glutamine, which is neutral and polar, at codon 336 of the SRP72 protein (p.Glu336Gln).

NM_006947.4(SRP72):c.1006G>C (p.Glu336Gln)

Gene: SRP72 (signal recognition particle 72; plus strand). Cytogenetic location: 4q12.
Variant type: single nucleotide variant.
Coding change: c.1006G>C on transcript NM_006947.4 (MANE Select); coding-DNA position 1006, G replaced by C.
Protein change: p.Glu336Gln; replaces glutamic acid 336 with glutamine.
Molecular consequence: missense variant. On other transcripts: non-coding transcript variant (1).
Genome position (GRCh38, 1-based): chr4:56,484,784, G>C. VCF-style: chr4-56484784-G-C. GRCh37 (hg19) VCF-style: chr4-57350950-G-C.
Other names: c.823G>C, p.Glu275Gln (NM_001267722.2); c.1006G>C (NM_006947.3); short protein forms E275Q, E336Q.
Identifiers: ClinVar variation 2798941 (VCV002798941.4), dbSNP rs768536813, ClinGen allele CA356999927.